The following is an entry in ClinVar:

NM_000256.3(MYBPC3):c.1242C>T (p.Ser414=)

Gene: MYBPC3 (myosin binding protein C3; minus strand). Cytogenetic location: 11p11.2.
Variant type: single nucleotide variant.
Coding change: c.1242C>T on transcript NM_000256.3 (MANE Select); coding-DNA position 1242, C replaced by T.
Protein change: p.Ser414=; no amino-acid change (serine 414 retained).
Molecular consequence: synonymous variant.
Genome position (GRCh38, 1-based): chr11:47,343,130, G>A on the plus strand (C>T on the coding strand, the complement: MYBPC3 is on the minus strand). VCF-style: chr11-47343130-G-A. GRCh37 (hg19) VCF-style: chr11-47364681-G-A.
Identifiers: ClinVar variation 3070419 (VCV003070419.3), dbSNP rs2095890782, ClinGen allele CA474429438.

ClinVar aggregate classification (germline): Conflicting classifications of pathogenicity. Review status: criteria provided, conflicting classifications (1 of 4 stars). 2 submissions from 2 submitters: Uncertain significance (1); Likely benign (1). Last evaluated 2025-12-04.

Conditions:
Hypertrophic cardiomyopathy. Also called: HYPERTROPHIC MYOCARDIOPATHY. Identifiers: Orphanet 217569, MedGen C0007194, MeSH D002312, MONDO:0005045, HP:0001639.

Allele frequency attached by ClinVar (database versions not stated): TOPMed 0.00001.
gnomAD v4.1: 1 of 1,611,650 alleles (0.000062%); no homozygotes.

Submissions (2):

Labcorp Genetics (formerly Invitae), Labcorp
Classification: Likely benign for Hypertrophic cardiomyopathy. Last evaluated: 2025-12-04. Review status: criteria provided, single submitter. Criteria: Invitae Variant Classification Sherloc (09022015). Collection method: clinical testing. Allele origin: germline.

All of Us Research Program, National Institutes of Health
Classification: Uncertain significance for Hypertrophic cardiomyopathy. Last evaluated: 2023-11-30. Review status: criteria provided, single submitter. Criteria: ACMG Guidelines, 2015. Collection method: clinical testing. Allele origin: germline. Inheritance: Autosomal dominant inheritance. Observed: 2 variant alleles, 2 heterozygotes.
Comment: This variant is located in the MYBPC3 protein. To our knowledge, functional studies have not been reported for this variant. This variant has not been reported in individuals affected with MYBPC3-related disorders in the literature. This variant has not been identified in the general population by the Genome Aggregation Database (gnomAD). The available evidence is insufficient to determine the role of this variant in disease conclusively. Therefore, this variant is classified as a Variant of Uncertain Significance.

This study involves interpretation of variants in research participants for the purpose of population health screening. Participant phenotype was not available at the time of variant classification. Additional details can be found in publication PMID: 35346344, PMCID: PMC8962531